The following is an entry in ClinVar:

ClinVar aggregate classification (germline): Pathogenic. Review status: criteria provided, multiple submitters, no conflicts (2 of 4 stars). 2 submissions from 2 submitters: Pathogenic (2). Last evaluated 2024-06-20.

Conditions:
Neonatal intrahepatic cholestasis due to citrin deficiency (CDNI). Also called: Neonatal-onset citrullinemia type II; Neonatal-onset citrullinemia type 2; CITRIN DEFICIENCY, NEONATAL OR INFANTILE ONSET; Neonatal Intrahepatic Cholestasis Caused by Citrin Deficiency (NICCD). Identifiers: Orphanet 247598, MedGen C1853942, MONDO:0011601, OMIM 605814.
Citrullinemia, type II, adult-onset (CDAA). Also called: CITRIN DEFICIENCY, ADOLESCENT OR ADULT ONSET. Identifiers: Orphanet 247585, MedGen CN295299, MONDO:0011326, OMIM 603471.
Citrin deficiency. Identifiers: Orphanet 247582, MedGen C1997910, MONDO:0016602.

Allele frequency attached by ClinVar (database versions not stated): gnomAD exomes below 0.00001.
gnomAD v4.1: 4 of 1,613,938 alleles (0.00025%); highest among the groups gnomAD compares: Non-Finnish European, 0.00025%; no homozygotes.

Submissions (2):

Fulgent Genetics
Classification: Pathogenic for Citrullinemia, type II, adult-onset; Neonatal intrahepatic cholestasis due to citrin deficiency. Last evaluated: 2024-06-20. Review status: criteria provided, single submitter. Criteria: ACMG Guidelines, 2015. Collection method: clinical testing. Allele origin: germline.

Labcorp Genetics (formerly Invitae), Labcorp
Classification: Pathogenic for Citrin deficiency. Last evaluated: 2023-05-23. Review status: criteria provided, single submitter. Criteria: Invitae Variant Classification Sherloc (09022015). Collection method: clinical testing. Allele origin: germline.
Comment: For these reasons, this variant has been classified as Pathogenic. Studies have shown that disruption of this splice site alters mRNA splicing and is expected to lead to the loss of protein expression (PMID: 33497767). ClinVar contains an entry for this variant (Variation ID: 1388183). Disruption of this splice site has been observed in individual(s) with citrin deficiency (PMID: 33497767). This variant is not present in population databases (gnomAD no frequency). This sequence change affects an acceptor splice site in intron 14 of the SLC25A13 gene. It is expected to disrupt RNA splicing. Variants that disrupt the donor or acceptor splice site typically lead to a loss of protein function (PMID: 16199547), and loss-of-function variants in SLC25A13 are known to be pathogenic (PMID: 10369257, 14680984, 27405544).

Literature cited by the submitters: PubMed 33497767 (cited by Labcorp Genetics (formerly Invitae), Labcorp); PubMed 16199547 (cited by Labcorp Genetics (formerly Invitae), Labcorp); PubMed 10369257 (cited by Labcorp Genetics (formerly Invitae), Labcorp); PubMed 14680984 (cited by Labcorp Genetics (formerly Invitae), Labcorp); PubMed 27405544 (cited by Labcorp Genetics (formerly Invitae), Labcorp).

NM_014251.3(SLC25A13):c.1453-2A>T

Gene: SLC25A13 (solute carrier family 25 member 13; minus strand). Cytogenetic location: 7q21.3.
Variant type: single nucleotide variant.
Coding change: c.1453-2A>T on transcript NM_014251.3 (MANE Select); the canonical splice acceptor site of the intron before coding-DNA position 1453, A replaced by T.
Molecular consequence: splice acceptor variant.
Genome position (GRCh38, 1-based): chr7:96,131,883, T>A on the plus strand (A>T on the coding strand, the complement: SLC25A13 is on the minus strand). VCF-style: chr7-96131883-T-A. GRCh37 (hg19) VCF-style: chr7-95761195-T-A.
Other names: c.1456-2A>T (NM_001160210.2).
Identifiers: ClinVar variation 1388183 (VCV001388183.8), dbSNP rs2116426311, ClinGen allele CA368260033.